The following is an entry in ClinVar:

NM_004655.4(AXIN2):c.529G>C (p.Glu177Gln)

Gene: AXIN2 (axin 2; minus strand). Cytogenetic location: 17q24.1.
Variant type: single nucleotide variant.
Coding change: c.529G>C on transcript NM_004655.4 (MANE Select); coding-DNA position 529, G replaced by C.
Protein change: p.Glu177Gln; replaces glutamic acid 177 with glutamine.
Molecular consequence: missense variant.
Genome position (GRCh38, 1-based): chr17:65,558,092, C>G on the plus strand (G>C on the coding strand, the complement: AXIN2 is on the minus strand). VCF-style: chr17-65558092-C-G. GRCh37 (hg19) VCF-style: chr17-63554210-C-G.
Other names: c.529G>C, p.Glu177Gln (NM_001363813.1); short protein forms E177Q.
Identifiers: ClinVar variation 864702 (VCV000864702.13), dbSNP rs2044299258, ClinGen allele CA400681019.
Genomic context (GRCh38, chr17:65,558,092, plus strand): 5'-GGTATATATCAGAAGTCAAAAACATCTGGTAGGCATTTTCCTCCATCACCGACTGGATCT[C>G]GGTCTGCGCCTGGTCAAACATGATGGAATCAATCTGCTGCTTCTTGATGCCATCTCTTAT-3'
Protein context (NP_004646.3, residues 167-187): DSIMFDQAQT[Glu177Gln]IQSVMEENAY

ClinVar aggregate classification (germline): Uncertain significance. Review status: criteria provided, multiple submitters, no conflicts (2 of 4 stars). 2 submissions from 2 submitters: Uncertain significance (2). Last evaluated 2026-01-21.

Conditions:
Oligodontia-cancer predisposition syndrome. Also called: TOOTH AGENESIS-COLORECTAL CANCER SYNDROME. Identifiers: Orphanet 300576, MedGen C1837750, MONDO:0012075, OMIM 608615. Disease mechanism: loss of function.
Hereditary cancer-predisposing syndrome. Also called: Hereditary Cancer Syndrome; Tumor predisposition; Neoplastic Syndromes, Hereditary; Hereditary neoplastic syndrome. Identifiers: Orphanet 140162, MedGen C0027672, MeSH D009386, MONDO:0015356.

Allele frequency attached by ClinVar (database versions not stated): gnomAD exomes 0.00001.

Submissions (2):

Labcorp Genetics (formerly Invitae), Labcorp
Classification: Uncertain significance for Oligodontia-cancer predisposition syndrome. Last evaluated: 2026-01-21. Review status: criteria provided, single submitter. Criteria: Invitae Variant Classification Sherloc (09022015). Collection method: clinical testing. Allele origin: germline.
Comment: This sequence change replaces glutamic acid, which is acidic and polar, with glutamine, which is neutral and polar, at codon 177 of the AXIN2 protein (p.Glu177Gln). This variant is not present in population databases (gnomAD no frequency). This variant has not been reported in the literature in individuals affected with AXIN2-related conditions. ClinVar contains an entry for this variant (Variation ID: 864702). Invitae Evidence Modeling of protein sequence and biophysical properties (such as structural, functional, and spatial information, amino acid conservation, physicochemical variation, residue mobility, and thermodynamic stability) indicates that this missense variant is expected to disrupt AXIN2 protein function with a positive predictive value of 80%. In summary, the available evidence is currently insufficient to determine the role of this variant in disease. Therefore, it has been classified as a Variant of Uncertain Significance.

Ambry Genetics
Classification: Uncertain significance for Hereditary cancer-predisposing syndrome. Last evaluated: 2025-01-03. Review status: criteria provided, single submitter. Criteria: Ambry Variant Classification Scheme 2023. Collection method: clinical testing. Allele origin: germline.
Comment: The p.E177Q variant (also known as c.529G>C), located in coding exon 1 of the AXIN2 gene, results from a G to C substitution at nucleotide position 529. The glutamic acid at codon 177 is replaced by glutamine, an amino acid with highly similar properties. This amino acid position is conserved. In addition, the in silico prediction for this alteration is inconclusive. Since supporting evidence is limited at this time, the clinical significance of this alteration remains unclear.